The following is an entry in ClinVar:

NM_001792.5(CDH2):c.2091_2092inv (p.Val698Met)

Gene: CDH2 (cadherin 2; minus strand). Cytogenetic location: 18q12.1.
Variant type: Inversion.
Coding change: c.2091_2092inv on transcript NM_001792.5 (MANE Select).
Protein change: p.Val698Met; replaces valine 698 with methionine.
Molecular consequence: missense variant.
Genome position: GRCh38 VCF-style: chr18-27985117-CA-TG. GRCh37 (hg19) VCF-style: chr18-25565081-CA-TG.
Other names: c.1998_1999inv, p.Val667Met (NM_001308176.2); short protein forms V698M, V667M.
Identifiers: ClinVar variation 1491183 (VCV001491183.6), ClinGen allele CA2573155155.

ClinVar aggregate classification (germline): Uncertain significance (1 of 4 stars; one submission).

Submission:

Labcorp Genetics (formerly Invitae), Labcorp
Classification: Uncertain significance. Last evaluated: 2025-09-05. Review status: criteria provided, single submitter. Criteria: Invitae Variant Classification Sherloc (09022015). Collection method: clinical testing. Allele origin: germline.
Comment: This sequence change replaces valine, which is neutral and non-polar, with methionine, which is neutral and non-polar, at codon 698 of the CDH2 protein (p.Val698Met). Information on the frequency of this variant in the gnomAD database is not available, as this variant may be reported differently in the database. This variant has not been reported in the literature in individuals affected with CDH2-related conditions. ClinVar contains an entry for this variant (Variation ID: 1491183). Experimental studies and prediction algorithms are not available or were not evaluated, and the functional significance of this variant is currently unknown. In summary, the available evidence is currently insufficient to determine the role of this variant in disease. Therefore, it has been classified as a Variant of Uncertain Significance.